The following is an entry in ClinVar:

ClinVar aggregate classification (germline): Benign (1 of 4 stars; one submission).

Allele frequency attached by ClinVar (database versions not stated): gnomAD 0.08085 and 0.08679; 1000 Genomes Project 0.08427; 1000 Genomes Project 30x 0.09088; TOPMed 0.09247.
gnomAD v4.1: 12,212 of 152,226 alleles (8%); highest among the groups gnomAD compares: African/African-American, 27%; 1,539 homozygotes.

Submission:

GeneDx
Classification: Benign. Last evaluated: 2018-06-14. Review status: criteria provided, single submitter. Criteria: GeneDx Variant Classification (06012015). Collection method: clinical testing. Allele origin: germline. Affected: yes.
Comment: This variant is considered likely benign or benign based on one or more of the following criteria: it is a conservative change, it occurs at a poorly conserved position in the protein, it is predicted to be benign by multiple in silico algorithms, and/or has population frequency not consistent with disease.

NM_004333.6(BRAF):c.1694+242A>T

Gene: BRAF (B-Raf proto-oncogene, serine/threonine kinase; minus strand). Cytogenetic location: 7q34.
Variant type: single nucleotide variant.
Coding change: c.1694+242A>T on transcript NM_004333.6 (MANE Select); 242 bases into the intron after coding-DNA position 1694, A replaced by T.
Molecular consequence: intron variant.
Genome position (GRCh38, 1-based): chr7:140,776,670, T>A on the plus strand (A>T on the coding strand, the complement: BRAF is on the minus strand). VCF-style: chr7-140776670-T-A. GRCh37 (hg19) VCF-style: chr7-140476470-T-A.
Other names: c.1694+242A>T (NM_001378474.1, NM_001378468.1, NM_001354609.2); c.1592+242A>T (NM_001378470.1); c.1430+242A>T (NM_001378475.1); c.1583+242A>T (NM_001378471.1); c.1814+242A>T (NM_001374258.1, NM_001374244.1); c.1703+242A>T (NM_001378467.1); c.1538+242A>T (NM_001378472.1, NM_001378473.1); c.1628+242A>T (NM_001378469.1).
Identifiers: ClinVar variation 561576 (VCV000561576.1), dbSNP rs66565115, ClinGen allele CA168085974.